The following is an entry in ClinVar:

ClinVar aggregate classification (germline): Uncertain significance (1 of 4 stars; one submission).

Allele frequency attached by ClinVar (database versions not stated): gnomAD exomes below 0.00001; TOPMed below 0.00001; gnomAD 0.00001; ExAC 0.00002; 1000 Genomes Project 30x 0.00016; 1000 Genomes Project 0.00020.

Submission:

Labcorp Genetics (formerly Invitae), Labcorp
Classification: Uncertain significance. Last evaluated: 2025-10-06. Review status: criteria provided, single submitter. Criteria: Invitae Variant Classification Sherloc (09022015). Collection method: clinical testing. Allele origin: germline.
Comment: This sequence change replaces proline, which is neutral and non-polar, with leucine, which is neutral and non-polar, at codon 367 of the CLCN2 protein (p.Pro367Leu). This variant is present in population databases (rs569883424, gnomAD 0.003%). This missense change has been observed in individual(s) with CLCN2-related conditions (PMID: 32180488). ClinVar contains an entry for this variant (Variation ID: 1916248). Invitae Evidence Modeling of protein sequence and biophysical properties (such as structural, functional, and spatial information, amino acid conservation, physicochemical variation, residue mobility, and thermodynamic stability) indicates that this missense variant is expected to disrupt CLCN2 protein function with a positive predictive value of 80%. In summary, the available evidence is currently insufficient to determine the role of this variant in disease. Therefore, it has been classified as a Variant of Uncertain Significance.

Literature cited by the submitters: PubMed 32180488.

NM_004366.6(CLCN2):c.1100C>T (p.Pro367Leu)

Gene: CLCN2 (chloride voltage-gated channel 2; minus strand). Cytogenetic location: 3q27.1.
Variant type: single nucleotide variant.
Coding change: c.1100C>T on transcript NM_004366.6 (MANE Select); coding-DNA position 1100, C replaced by T.
Protein change: p.Pro367Leu; replaces proline 367 with leucine.
Molecular consequence: missense variant.
Genome position (GRCh38, 1-based): chr3:184,355,764, G>A on the plus strand (C>T on the coding strand, the complement: CLCN2 is on the minus strand). VCF-style: chr3-184355764-G-A. GRCh37 (hg19) VCF-style: chr3-184073552-G-A.
Other names: c.1100C>T, p.Pro367Leu (NM_001171087.3, NM_001171089.3); c.968C>T, p.Pro323Leu (NM_001171088.3); short protein forms P323L, P367L.
Identifiers: ClinVar variation 1916248 (VCV001916248.5), dbSNP rs569883424, ClinGen allele CA2734233.
Genomic context (GRCh38, chr3:184,355,764, plus strand): 5'-ATGAACTGTCCAAAGCCAGGGGGGAAGGTCAGCGTGGAGATGAGCAGGGTCACCAGAGCC[G>A]GGAAGAGCAGGCGTCTAGAGTCGTAGGTTTCACATCAGTCGTGGGTGGCCAAGGGCTGGG-3'
Protein context (NP_004357.3, residues 357-377): RFLMRKRLLF[Pro367Leu]ALVTLLISTL